The following is an entry in ClinVar:

ClinVar aggregate classification (germline): Uncertain significance (1 of 4 stars; one submission).

Conditions:
Autosomal dominant polycystic kidney disease. Identifiers: Orphanet 730, MedGen C0085413, MONDO:0004691.

Submission:

Labcorp Genetics (formerly Invitae), Labcorp
Classification: Uncertain significance for Autosomal dominant polycystic kidney disease. Last evaluated: 2023-05-23. Review status: criteria provided, single submitter. Criteria: Invitae Variant Classification Sherloc (09022015). Collection method: clinical testing. Allele origin: germline.
Comment: Experimental studies and prediction algorithms are not available or were not evaluated, and the functional significance of this variant is currently unknown. This variant has not been reported in the literature in individuals affected with PKD2-related conditions. Information on the frequency of this variant in the gnomAD database is not available, as this variant may be reported differently in the database. This variant, c.2184_2185delinsAG, is a complex sequence change that results in the deletion of 2 and insertion of 2 amino acid(s) in the PKD2 protein (p.Ser728_Leu729delinsArgVal). In summary, the available evidence is currently insufficient to determine the role of this variant in disease. Therefore, it has been classified as a Variant of Uncertain Significance.

NM_000297.4(PKD2):c.2184_2185delinsAG (p.Ser728_Leu729delinsArgVal)

Gene: PKD2 (polycystin 2, transient receptor potential cation channel; plus strand). Cytogenetic location: 4q22.1.
Variant type: Indel.
Coding change: c.2184_2185delinsAG on transcript NM_000297.4 (MANE Select); coding-DNA positions 2184 to 2185, TC replaced by AG.
Protein change: p.Ser728_Leu729delinsArgVal.
Molecular consequence: missense variant. On other transcripts: non-coding transcript variant (1).
Genome position (GRCh38, 1-based): chr4:88,065,439-88,065,440, TC replaced by AG. VCF-style: chr4-88065439-TC-AG. GRCh37 (hg19) VCF-style: chr4-88986591-TC-AG.
Identifiers: ClinVar variation 2721411 (VCV002721411.3), dbSNP rs2475979147, ClinGen allele CA2697546803.
Genomic context (GRCh38, chr4:88,065,439, plus strand): 5'-CCATAAAGCTTTGGTCAAACTAAAACTGAAAAAAAATACCGTGGATGACATTTCAGAGAG[TC>AG]TGCGGCAAGGAGGAGGCAAGTTAAACTTTGACGAACTTCGACAAGATCTCAAAGGGTGAG-3'